The following is an entry in ClinVar:

NM_001353921.2(ARHGEF9):c.1354G>C (p.Ala452Pro)

Gene: ARHGEF9 (Cdc42 guanine nucleotide exchange factor 9; minus strand). Cytogenetic location: Xq11.1.
Variant type: single nucleotide variant.
Coding change: c.1354G>C on transcript NM_001353921.2 (MANE Select); coding-DNA position 1354, G replaced by C.
Protein change: p.Ala452Pro; replaces alanine 452 with proline.
Molecular consequence: missense variant.
Genome position (GRCh38, 1-based): chrX:63,644,016, C>G on the plus strand (G>C on the coding strand, the complement: ARHGEF9 is on the minus strand). VCF-style: chrX-63644016-C-G. GRCh37 (hg19) VCF-style: chrX-62863896-C-G.
Other names: c.1174G>C, p.Ala392Pro (NM_001173479.2); c.1027G>C, p.Ala343Pro (NM_001173480.2, NM_001369042.1); c.1270G>C, p.Ala424Pro (NM_001330495.2, NM_001369034.1, NM_001369035.1 and 4 more transcripts); c.1222G>C, p.Ala408Pro (NM_001353922.2); c.1372G>C, p.Ala458Pro (NM_001353923.1); c.1153G>C, p.Ala385Pro (NM_001353924.2, NM_001353926.2, NM_001369039.1 and 1 more transcripts); c.1138G>C, p.Ala380Pro (NM_001353927.2, NM_001369041.1); c.1201G>C, p.Ala401Pro (NM_001353928.2); and 3 more; short protein forms A385P, A424P, A458P, R342S, A263P, A343P, A392P, A401P.
Identifiers: ClinVar variation 2846675 (VCV002846675.3), dbSNP rs2519503674, ClinGen allele CA413402625.

ClinVar aggregate classification (germline): Uncertain significance (1 of 4 stars; one submission).

Conditions:
Developmental and epileptic encephalopathy, 8 (DEE8). Also called: HYPEREKPLEXIA AND EPILEPSY. Identifiers: Orphanet 163985, Orphanet 2076, MedGen C1845102, MONDO:0010375, OMIM 300607.

Submission:

Labcorp Genetics (formerly Invitae), Labcorp
Classification: Uncertain significance for Developmental and epileptic encephalopathy, 8. Last evaluated: 2023-04-12. Review status: criteria provided, single submitter. Criteria: Invitae Variant Classification Sherloc (09022015). Collection method: clinical testing. Allele origin: germline.
Comment: Advanced modeling of protein sequence and biophysical properties (such as structural, functional, and spatial information, amino acid conservation, physicochemical variation, residue mobility, and thermodynamic stability) has been performed at Invitae for this missense variant, however the output from this modeling did not meet the statistical confidence thresholds required to predict the impact of this variant on ARHGEF9 protein function. In summary, the available evidence is currently insufficient to determine the role of this variant in disease. Therefore, it has been classified as a Variant of Uncertain Significance. This sequence change replaces alanine, which is neutral and non-polar, with proline, which is neutral and non-polar, at codon 445 of the ARHGEF9 protein (p.Ala445Pro). This variant is not present in population databases (gnomAD no frequency). This variant has not been reported in the literature in individuals affected with ARHGEF9-related conditions.